The following is an entry in ClinVar:

NM_001040108.2(MLH3):c.1500G>C (p.Pro500=)

Gene: MLH3 (mutL homolog 3; minus strand). Cytogenetic location: 14q24.3.
Variant type: single nucleotide variant.
Coding change: c.1500G>C on transcript NM_001040108.2 (MANE Select); coding-DNA position 1500, G replaced by C.
Protein change: p.Pro500=; no amino-acid change (proline 500 retained).
Molecular consequence: synonymous variant.
Genome position (GRCh38, 1-based): chr14:75,048,156, C>G on the plus strand (G>C on the coding strand, the complement: MLH3 is on the minus strand). VCF-style: chr14-75048156-C-G. GRCh37 (hg19) VCF-style: chr14-75514859-C-G.
Other names: c.1500G>C, p.Pro500= (NM_014381.3).
Identifiers: ClinVar variation 1774014 (VCV001774014.8), dbSNP rs554385170, ClinGen allele CA487273778.

ClinVar aggregate classification (germline): Benign/Likely benign. Review status: criteria provided, multiple submitters, no conflicts (2 of 4 stars). 3 submissions from 3 submitters: Benign (1); Likely benign (2). Last evaluated 2026-04-30.

Conditions:
Colorectal cancer, hereditary nonpolyposis, type 7. Identifiers: Orphanet 144, MedGen C1858380, MONDO:0013725, OMIM 614385.

gnomAD v4.1: 5 of 1,614,116 alleles (0.00031%); highest among the groups gnomAD compares: Non-Finnish European, 0.00042%; no homozygotes.

Submissions (3):

Myriad Genetics, Inc.
Classification: Benign for Colorectal cancer, hereditary nonpolyposis, type 7. Last evaluated: 2026-04-30. Review status: criteria provided, single submitter. Criteria: Myriad Autosomal Dominant, Autosomal Recessive and X-Linked Classification Criteria (2023). Collection method: clinical testing. Allele origin: unknown.
Comment: This variant is considered benign. This variant is a silent/synonymous amino acid change and it is not expected to impact splicing.

Labcorp Genetics (formerly Invitae), Labcorp
Classification: Likely benign for Colorectal cancer, hereditary nonpolyposis, type 7. Last evaluated: 2022-04-15. Review status: criteria provided, single submitter. Criteria: Invitae Variant Classification Sherloc (09022015). Collection method: clinical testing. Allele origin: germline.

Ambry Genetics
Classification: Likely benign. Last evaluated: 2021-12-13. Review status: criteria provided, single submitter. Criteria: Ambry Variant Classification Scheme 2023. Collection method: clinical testing. Allele origin: germline.